The following is an entry in ClinVar:

ClinVar aggregate classification (germline): Conflicting classifications of pathogenicity. Review status: criteria provided, conflicting classifications (1 of 4 stars). 2 submissions from 2 submitters: Uncertain significance (1); Benign (1). Last evaluated 2024-12-16.

Conditions:
Charlevoix-Saguenay spastic ataxia (SACS). Also called: AUTOSOMAL RECESSIVE SPASTIC ATAXIA OF CHARLEVOIX-SAGUENAY; Spastic ataxia of Charlevoix-Saguenay; SPASTIC ATAXIA 6, AUTOSOMAL RECESSIVE. Identifiers: Orphanet 98, MedGen C1849140, MONDO:0010041, OMIM 270550.
Spastic paraplegia. Identifiers: MedGen C0037772, HP:0001258.

Allele frequency attached by ClinVar (database versions not stated): gnomAD 0.00003 and 0.00004; ESP Exome Variant Server 0.00008.
gnomAD v4.1: 63 of 1,613,764 alleles (0.0039%); highest among the groups gnomAD compares: Non-Finnish European, 0.0044%; no homozygotes.

Submissions (2):

Labcorp Genetics (formerly Invitae), Labcorp
Classification: Benign for Spastic paraplegia. Last evaluated: 2024-12-16. Review status: criteria provided, single submitter. Criteria: Invitae Variant Classification Sherloc (09022015). Collection method: clinical testing. Allele origin: germline.

Baylor Genetics
Classification: Uncertain significance for Charlevoix-Saguenay spastic ataxia. Last evaluated: 2018-08-23. Review status: criteria provided, single submitter. Criteria: ACMG Guidelines, 2015. Collection method: clinical testing. Allele origin: paternal. Affected: yes.
Comment: This variant was determined to be of uncertain significance according to ACMG Guidelines, 2015 [PMID:25741868].

NM_014363.6(SACS):c.11576G>A (p.Arg3859His)

Gene: SACS (sacsin molecular chaperone; minus strand). Cytogenetic location: 13q12.12.
Variant type: single nucleotide variant.
Coding change: c.11576G>A on transcript NM_014363.6 (MANE Select); coding-DNA position 11576, G replaced by A.
Protein change: p.Arg3859His; replaces arginine 3859 with histidine.
Molecular consequence: missense variant.
Genome position (GRCh38, 1-based): chr13:23,332,300, C>T on the plus strand (G>A on the coding strand, the complement: SACS is on the minus strand). VCF-style: chr13-23332300-C-T. GRCh37 (hg19) VCF-style: chr13-23906439-C-T.
Other names: c.11135G>A, p.Arg3712His (NM_001278055.2); short protein forms R3712H, R3859H.
Identifiers: ClinVar variation 1033688 (VCV001033688.5), dbSNP rs149427669, ClinGen allele CA6910259.